The following is an entry in ClinVar:

NM_002907.4(RECQL):c.1765C>T (p.Gln589Ter)

Genes: PYROXD1 (pyridine nucleotide-disulphide oxidoreductase domain 1; plus strand), RECQL (RecQ like helicase; minus strand). Cytogenetic location: 12p12.1.
Variant type: single nucleotide variant.
Coding change: c.1765C>T on transcript NM_002907.4 (MANE Select); coding-DNA position 1765, C replaced by T.
Protein change: p.Gln589Ter; replaces glutamine 589 with a stop codon.
Molecular consequence: nonsense. On other transcripts: 3 prime UTR variant (3).
Genome position (GRCh38, 1-based): chr12:21,471,001, G>A on the plus strand (C>T on the coding strand, the complement: RECQL is on the minus strand). VCF-style: chr12-21471001-G-A. GRCh37 (hg19) VCF-style: chr12-21623935-G-A.
Other names: c.1765C>T, p.Gln589Ter (NM_032941.3); c.*2247G>A (NM_001350912.2, NM_001350913.2, NM_024854.5); short protein forms Q589*.
Identifiers: ClinVar variation 2178449 (VCV002178449.4), dbSNP rs753139296, ClinGen allele CA384114440.
Genomic context (GRCh38, chr12:21,471,001, plus strand): 5'-ATAAAACTGAAAATTAATAGCCATTTACCCTGAAAGAGTTCTGCGTGGACTTTGTCACTT[G>A]CATAGTAATAGCATGTGCCTCATTGTTCAGAAGATTAGCTTTAGGTCCTATTTTCAAATA-3'

ClinVar aggregate classification (germline): Uncertain significance (1 of 4 stars; one submission).

Submission:

Labcorp Genetics (formerly Invitae), Labcorp
Classification: Uncertain significance. Last evaluated: 2023-06-13. Review status: criteria provided, single submitter. Criteria: Invitae Variant Classification Sherloc (09022015). Collection method: clinical testing. Allele origin: germline.
Comment: This sequence change creates a premature translational stop signal (p.Gln589*) in the RECQL gene. While this is not anticipated to result in nonsense mediated decay, it is expected to disrupt the last 61 amino acid(s) of the RECQL protein. This variant is not present in population databases (gnomAD no frequency). This variant has not been reported in the literature in individuals affected with RECQL-related conditions. ClinVar contains an entry for this variant (Variation ID: 2178449). Algorithms developed to predict the effect of sequence changes on RNA splicing suggest that this variant may disrupt the consensus splice site. In summary, the available evidence is currently insufficient to determine the role of this variant in disease. Therefore, it has been classified as a Variant of Uncertain Significance.